The following is an entry in ClinVar:

NM_002439.5(MSH3):c.1075A>C (p.Ile359Leu)

Gene: MSH3 (mutS homolog 3; plus strand). Cytogenetic location: 5q14.1.
Variant type: single nucleotide variant.
Coding change: c.1075A>C on transcript NM_002439.5 (MANE Select); coding-DNA position 1075, A replaced by C.
Protein change: p.Ile359Leu; replaces isoleucine 359 with leucine.
Molecular consequence: missense variant.
Genome position (GRCh38, 1-based): chr5:80,675,030, A>C. VCF-style: chr5-80675030-A-C. GRCh37 (hg19) VCF-style: chr5-79970849-A-C.
Other names: c.1075A>C (NM_002439.3); short protein forms I359L.
Identifiers: ClinVar variation 1022228 (VCV001022228.10), dbSNP rs1749807412, ClinGen allele CA360267996.

ClinVar aggregate classification (germline): Uncertain significance. Review status: criteria provided, multiple submitters, no conflicts (2 of 4 stars). 2 submissions from 2 submitters: Uncertain significance (2). Last evaluated 2024-03-23.

Conditions:
Hereditary cancer-predisposing syndrome. Also called: Hereditary Cancer Syndrome; Neoplastic Syndromes, Hereditary; Tumor predisposition; Hereditary neoplastic syndrome. Identifiers: Orphanet 140162, MedGen C0027672, MeSH D009386, MONDO:0015356.

Submissions (2):

Ambry Genetics
Classification: Uncertain significance for Hereditary cancer-predisposing syndrome. Last evaluated: 2024-03-23. Review status: criteria provided, single submitter. Criteria: Ambry Variant Classification Scheme 2023. Collection method: clinical testing. Allele origin: germline.
Comment: The p.I359L variant (also known as c.1075A>C), located in coding exon 7 of the MSH3 gene, results from an A to C substitution at nucleotide position 1075. The isoleucine at codon 359 is replaced by leucine, an amino acid with highly similar properties. This amino acid position is conserved. In addition, this alteration is predicted to be tolerated by in silico analysis. Based on the available evidence, the clinical significance of this alteration remains unclear.

Labcorp Genetics (formerly Invitae), Labcorp
Classification: Uncertain significance. Last evaluated: 2023-06-29. Review status: criteria provided, single submitter. Criteria: Invitae Variant Classification Sherloc (09022015). Collection method: clinical testing. Allele origin: germline.
Comment: This sequence change replaces isoleucine, which is neutral and non-polar, with leucine, which is neutral and non-polar, at codon 359 of the MSH3 protein (p.Ile359Leu). This variant is not present in population databases (gnomAD no frequency). This variant has not been reported in the literature in individuals affected with MSH3-related conditions. ClinVar contains an entry for this variant (Variation ID: 1022228). Algorithms developed to predict the effect of missense changes on protein structure and function output the following: SIFT: "Not Available"; PolyPhen-2: "Benign"; Align-GVGD: "Not Available". The leucine amino acid residue is found in multiple mammalian species, which suggests that this missense change does not adversely affect protein function. In summary, the available evidence is currently insufficient to determine the role of this variant in disease. Therefore, it has been classified as a Variant of Uncertain Significance.